The following is an entry in ClinVar:

ClinVar aggregate classification (germline): Likely pathogenic (1 of 4 stars; one submission).

Conditions:
Retinitis pigmentosa 54 (RP54). Identifiers: Orphanet 791, MedGen C3150691, MONDO:0013263, OMIM 613428.

Submission:

3billion
Classification: Likely pathogenic for Retinitis pigmentosa 54. Last evaluated: 2023-02-23. Review status: criteria provided, single submitter. Criteria: ACMG Guidelines, 2015. Collection method: clinical testing. Allele origin: unknown. Affected: yes.
Comment: The variant is observed at an extremely low frequency in the gnomAD v2.1.1 dataset (total allele frequency: <0.001%). This variant was predicted to result in a loss or disruption of normal protein function through nonsense-mediated decay (NMD) or protein truncation. Multiple pathogenic variants are reported downstream of the variant. Therefore, this variant is classified as Likely pathogenic according to the recommendation of ACMG/AMP guideline.

NM_001029883.3(PCARE):c.3048_3049del (p.Tyr1016_Arg1017delinsTer)

Gene: PCARE (photoreceptor cilium actin regulator; minus strand). Cytogenetic location: 2p23.2.
Variant type: Deletion.
Coding change: c.3048_3049del on transcript NM_001029883.3 (MANE Select); coding-DNA positions 3048 to 3049, 2 bases deleted (CA; older notation c.3048_3049delCA).
Protein change: p.Tyr1016_Arg1017delinsTer.
Molecular consequence: nonsense.
Genome position (GRCh38, 1-based): chr2:29,071,213-29,071,214, TG deleted on the plus strand (CA on the coding strand, the reverse complement: PCARE is on the minus strand); deleting any 2 consecutive bases within chr2:29,071,213-29,071,215 gives the same sequence; the c. name uses the placement nearest the transcript's 3' end. VCF-style (leftmost placement, unchanged base first): chr2-29071212-CTG-C. GRCh37 (hg19) VCF-style: chr2-29294078-CTG-C.
Identifiers: ClinVar variation 2444372 (VCV002444372.1), dbSNP rs749261204, ClinGen allele CA1592041.
Genomic context (GRCh38, chr2:29,071,212, plus strand): 5'-CTGGGGCTCACAGGTGGGCTGGGGGGCGTCTGCACAGCAGAGGGGCTTGGCTGGGCAGGT[CTG>C]TAAGAGGAGGGAAGGCTCCGGCGCCTCTTGTCTGCTTGAGGCACCCAGTGTGTCCTCGTG-3'